The following is an entry in ClinVar:

NM_006361.6(HOXB13):c.241G>A (p.Gly81Ser)

Gene: HOXB13 (homeobox B13; minus strand). Cytogenetic location: 17q21.32.
Variant type: single nucleotide variant.
Coding change: c.241G>A on transcript NM_006361.6 (MANE Select); coding-DNA position 241, G replaced by A.
Protein change: p.Gly81Ser; replaces glycine 81 with serine.
Molecular consequence: missense variant.
Genome position (GRCh38, 1-based): chr17:48,728,353, C>T on the plus strand (G>A on the coding strand, the complement: HOXB13 is on the minus strand). VCF-style: chr17-48728353-C-T. GRCh37 (hg19) VCF-style: chr17-46805715-C-T.
Other names: short protein forms G81S.
Identifiers: ClinVar variation 3703255 (VCV003703255.2).

ClinVar aggregate classification (germline): Uncertain significance (1 of 4 stars; one submission).

Submission:

Labcorp Genetics (formerly Invitae), Labcorp
Classification: Uncertain significance. Last evaluated: 2024-09-26. Review status: criteria provided, single submitter. Criteria: Invitae Variant Classification Sherloc (09022015). Collection method: clinical testing. Allele origin: germline.
Comment: This sequence change replaces glycine, which is neutral and non-polar, with serine, which is neutral and polar, at codon 81 of the HOXB13 protein (p.Gly81Ser). This variant is not present in population databases (gnomAD no frequency). This variant has not been reported in the literature in individuals affected with HOXB13-related conditions. Invitae Evidence Modeling of protein sequence and biophysical properties (such as structural, functional, and spatial information, amino acid conservation, physicochemical variation, residue mobility, and thermodynamic stability) indicates that this missense variant is not expected to disrupt HOXB13 protein function with a negative predictive value of 80%. In summary, the available evidence is currently insufficient to determine the role of this variant in disease. Therefore, it has been classified as a Variant of Uncertain Significance.